The following is an entry in ClinVar:

NM_032322.4(RNF135):c.389G>A (p.Ser130Asn)

Gene: RNF135 (ring finger protein 135; plus strand). Cytogenetic location: 17q11.2.
Variant type: single nucleotide variant.
Coding change: c.389G>A on transcript NM_032322.4 (MANE Select); coding-DNA position 389, G replaced by A.
Protein change: p.Ser130Asn; replaces serine 130 with asparagine.
Molecular consequence: missense variant.
Genome position (GRCh38, 1-based): chr17:30,984,633, G>A. VCF-style: chr17-30984633-G-A. GRCh37 (hg19) VCF-style: chr17-29311651-G-A.
Other names: c.389G>A, p.Ser130Asn (NM_001184992.2, NM_197939.2); short protein forms S130N.
Identifiers: ClinVar variation 377053 (VCV000377053.3), dbSNP rs767119938, ClinGen allele CA8485180.
Genomic context (GRCh38, chr17:30,984,633, plus strand): 5'-TCCAGTTTTATAGAACCCAGGACCTGAACTTTGCTATTTTGAAGGTGGCAGTAGAGAAGA[G>A]CATCACAGAAGTTGCTCAGGAGCTGACAGAGCTGGTGGAACATCTTGTAGACATTGTCAG-3'
Protein context (NP_115698.3, residues 120-140): PELQRVAVEK[Ser130Asn]ITEVAQELTE

ClinVar aggregate classification (germline): Uncertain significance (1 of 4 stars; one submission).

Allele frequency attached by ClinVar (database versions not stated): ExAC 0.00001; gnomAD 0.00001; gnomAD exomes 0.00001.
gnomAD v4.1: 4 of 1,614,060 alleles (0.00025%); highest among the groups gnomAD compares: Admixed American, 0.0067%; no homozygotes.

Submission:

Center for Pediatric Genomic Medicine, Children's Mercy Hospital and Clinics
Classification: Uncertain significance. Last evaluated: 2016-06-29. Review status: criteria provided, single submitter. Criteria: ACMG Guidelines, 2015. Collection method: clinical testing. Allele origin: germline.
ClinVar note: Converted during submission from Uncertain Significance to Uncertain significance.